The following is an entry in ClinVar:

NM_017849.4(TMEM127):c.101C>A (p.Ala34Asp)

Genes: TMEM127 (transmembrane protein 127; minus strand), LOC129934333 (ATAC-STARR-seq lymphoblastoid silent region 11759; plus strand). Cytogenetic location: 2q11.2.
Variant type: single nucleotide variant.
Coding change: c.101C>A on transcript NM_017849.4 (MANE Select); coding-DNA position 101, C replaced by A.
Protein change: p.Ala34Asp; replaces alanine 34 with aspartic acid.
Molecular consequence: missense variant.
Genome position (GRCh38, 1-based): chr2:96,265,281, G>T on the plus strand (C>A on the coding strand, the complement: TMEM127 is on the minus strand). VCF-style: chr2-96265281-G-T. GRCh37 (hg19) VCF-style: chr2-96931019-G-T.
Other names: c.101C>A, p.Ala34Asp (NM_001193304.3); short protein forms A34D.
Identifiers: ClinVar variation 582892 (VCV000582892.9), dbSNP rs1451389209, ClinGen allele CA347656112.
Genomic context (GRCh38, chr2:96,265,281, plus strand): 5'-AACCAGGCGGGCTCGGCGAGGGCAGTGCACAGCGCCGTGATAGACAGGGCGCCAGGCAGG[G>T]CCGAGGCCAGGCTACGCTCCGGCTGCTTGGGCAGAGCGCTGCCTCCCGGGCTCCTCCGCC-3'
Protein context (NP_060319.1, residues 24-44): PKQPERSLAS[Ala34Asp]LPGALSITAL

ClinVar aggregate classification (germline): Uncertain significance (1 of 4 stars; one submission).

Conditions:
Hereditary pheochromocytoma and paraganglioma. Also called: Hereditary Paraganglioma-Pheochromocytoma Syndromes; Hereditary paragangliomas and pheochromocytomas; Hereditary pheochromocytoma-paraganglioma. Identifiers: Orphanet 29072, MedGen C4274332, MONDO:0017366.

Submission:

Labcorp Genetics (formerly Invitae), Labcorp
Classification: Uncertain significance for Hereditary pheochromocytoma and paraganglioma. Last evaluated: 2018-02-08. Review status: criteria provided, single submitter. Criteria: Invitae Variant Classification Sherloc (09022015). Collection method: clinical testing. Allele origin: germline.
Comment: This variant has not been reported in the literature in individuals with TMEM127-related disease. Algorithms developed to predict the effect of missense changes on protein structure and function do not agree on the potential impact of this missense change (SIFT: "Deleterious"; PolyPhen-2: "Probably Damaging"; Align-GVGD: "Class C0"). In summary, the available evidence is currently insufficient to determine the role of this variant in disease. Therefore, it has been classified as a Variant of Uncertain Significance. While this variant is not present in population databases, the frequency information is unreliable, as metrics indicate poor data quality at this position in the ExAC database. This sequence change replaces alanine with aspartic acid at codon 34 of the TMEM127 protein (p.Ala34Asp). The alanine residue is highly conserved and there is a moderate physicochemical difference between alanine and aspartic acid.